The following is an entry in ClinVar:

ClinVar aggregate classification (germline): Likely benign. Review status: reviewed by expert panel (3 of 4 stars). 5 submissions from 5 submitters: Likely benign (1). 4 of the submissions do not count toward it. Last evaluated 2024-07-11.

Conditions:
Acute myeloid leukemia (AML). Also called: Leukemia, acute myeloid, somatic; Leukemia, acute myelogenous, somatic; Acute myeloid leukemia, adult; AML adult; Acute non-lymphocytic leukemia; Acute granulocytic leukemia. Identifiers: Orphanet 519, MedGen C0023467, MeSH D015470, MONDO:0018874, OMIM 601626, HP:0004808. Disease mechanism: Constitutively activated FLT3.
Hereditary thrombocytopenia and hematologic cancer predisposition syndrome. Identifiers: Orphanet 71290, MedGen CN281654, MONDO:0011071.
Inborn genetic diseases. Identifiers: MedGen C0950123, MeSH D030342.
Hereditary thrombocytopenia and hematological cancer predisposition syndrome associated with RUNX1. Also called: PLATELET DISORDER, ASPIRIN-LIKE; Familial thrombocytopenia with propensity to acute myelogenous leukemia; Familial Platelet Disorder with Propensity to Acute Myelogenous Leukemia; RUNX1 Familial Platelet Disorder with Associated Myeloid Malignancies. Identifiers: Orphanet 71290, MedGen C1832388, MeSH C563324, MONDO:0100083, OMIM 601399.

Submissions (5):

ClinGen Myeloid Malignancy Variant Curation Expert Panel
Classification: Likely benign for Hereditary thrombocytopenia and hematologic cancer predisposition syndrome. Last evaluated: 2024-07-11. Review status: reviewed by expert panel. Criteria: ClinGen MyeloMalig ACMG Specifications v2. Collection method: curation. Allele origin: germline. Inheritance: Autosomal dominant inheritance.
Comment: NM_001754.5(RUNX1): c.82_84del (p.Ser28del) encodes an in-frame deletion of one amino acid in a non-repeat region, which does not affect a hotspot or critical residue (89-204) of the runt homology domain (PM4 not met). The highest population minor allele frequency in gnomAD v2 is 0.0004041 (10/24746 alleles) in the AFR population, which is higher than the allele frequency calculated based on the disease incidence (>0.00015) per the ClinGen Myeloid Malignancy VCEP (BS1). This variant has also been observed in one homozygous individual with no RUNX1-phenotypic features from the gnomAD v3 non-cancer/control/biobank cohort (BP2). Due to the high MAF, PS4 cannot be applied to probands meeting the phenotypic criteria (PS4_supporting not met). In summary, this variant meets the criteria to be classified as likely benign for autosomal dominant hereditary thrombocytopenia and hematologic cancer predisposition syndrome based on the ACMG/AMP criteria applied, as specified by the ClinGen Myeloid Malignancy VCEP: BS1, BP2.

Labcorp Genetics (formerly Invitae), Labcorp
Classification: Uncertain significance for Hereditary thrombocytopenia and hematological cancer predisposition syndrome associated with RUNX1. Last evaluated: 2025-12-03. Review status: criteria provided, single submitter. Criteria: Invitae Variant Classification Sherloc (09022015). Collection method: clinical testing. Allele origin: germline. Not counted in ClinVar's aggregate classification.
Comment: This variant, c.82_84del, results in the deletion of 1 amino acid(s) of the RUNX1 protein (p.Ser28del), but otherwise preserves the integrity of the reading frame. This variant is present in population databases (rs775050403, gnomAD 0.05%), and has an allele count higher than expected for a pathogenic variant. This variant has not been reported in the literature in individuals affected with RUNX1-related conditions. ClinVar contains an entry for this variant (Variation ID: 569458). Experimental studies and prediction algorithms are not available or were not evaluated, and the functional significance of this variant is currently unknown. In summary, the available evidence is currently insufficient to determine the role of this variant in disease. Therefore, it has been classified as a Variant of Uncertain Significance.

Ambry Genetics
Classification: Likely benign for Inborn genetic diseases. Last evaluated: 2024-03-20. Review status: criteria provided, single submitter. Criteria: Ambry Variant Classification Scheme 2023. Collection method: clinical testing. Allele origin: germline. Not counted in ClinVar's aggregate classification.

GeneDx
Classification: Uncertain significance. Last evaluated: 2024-03-14. Review status: criteria provided, single submitter. Criteria: GeneDx Variant Classification Process June 2021. Collection method: clinical testing. Allele origin: germline. Affected: yes. Not counted in ClinVar's aggregate classification.
Comment: Identified in a patient with T-cell acute lymphoblastic leukemia (T-ALL) in published literature (PMID: 34166225); In-frame deletion of one amino acid in a non-repeat region; In silico analysis supports that this variant does not alter protein structure/function; This variant is associated with the following publications: (PMID: 34166225)

Baylor Genetics
Classification: Uncertain significance for Acute myeloid leukemia. Last evaluated: 2023-01-26. Review status: criteria provided, single submitter. Criteria: ACMG Guidelines, 2015. Collection method: clinical testing. Allele origin: unknown. Not counted in ClinVar's aggregate classification.

NM_001754.5(RUNX1):c.82_84del (p.Ser28del)

Gene: RUNX1 (RUNX family transcription factor 1; minus strand). Cytogenetic location: 21q22.12.
Variant type: Deletion.
Coding change: c.82_84del on transcript NM_001754.5 (MANE Select); coding-DNA positions 82 to 84, 3 bases deleted (TCT; older notation c.82_84delTCT).
Protein change: p.Ser28del; deletes serine 28.
Molecular consequence: inframe deletion.
Genome position (GRCh38, 1-based): chr21:34,892,938-34,892,940, AGA deleted on the plus strand (TCT on the coding strand, the reverse complement: RUNX1 is on the minus strand); deleting any 3 consecutive bases within chr21:34,892,938-34,892,942 gives the same sequence; the c. name uses the placement nearest the transcript's 3' end. VCF-style (leftmost placement, unchanged base first): chr21-34892937-TAGA-T. GRCh37 (hg19) VCF-style: chr21-36265234-TAGA-T.
Other names: NM_001754.5(RUNX1):c.82_84del; p.Ser28del; c.82_84delTCT (NM_001754.4).
Identifiers: ClinVar variation 569458 (VCV000569458.13), dbSNP rs775050403, ClinGen allele CA10014632.